The following is an entry in ClinVar:

ClinVar aggregate classification (germline): Uncertain significance. Review status: criteria provided, multiple submitters, no conflicts (2 of 4 stars). 3 submissions from 3 submitters: Uncertain significance (3). Last evaluated 2025-02-09.

Conditions:
Brugada syndrome. Also called: Sudden unexplained nocturnal death syndrome; Sudden unexpected nocturnal death syndrome; Sudden Unexplained Death Syndrome; Sudden Unexplained Nocturnal Death Syndrome (SUNDS). Identifiers: Orphanet 130, MedGen C1142166, MONDO:0015263.
Cardiovascular phenotype. Identifiers: MedGen CN230736.

Allele frequency attached by ClinVar (database versions not stated): TOPMed 0.00002.
gnomAD v4.1: 14 of 1,614,072 alleles (0.00087%); highest among the groups gnomAD compares: Middle Eastern, 0.017%; no homozygotes.

Submissions (3):

Ambry Genetics
Classification: Uncertain significance for Cardiovascular phenotype. Last evaluated: 2025-02-09. Review status: criteria provided, single submitter. Criteria: Ambry Variant Classification Scheme 2023. Collection method: clinical testing. Allele origin: germline.
Comment: The p.V948M variant (also known as c.2842G>A), located in coding exon 16 of the SCN10A gene, results from a G to A substitution at nucleotide position 2842. The valine at codon 948 is replaced by methionine, an amino acid with highly similar properties. This amino acid position is poorly conserved in available vertebrate species. In addition, this alteration is predicted to be tolerated by in silico analysis. The evidence for this gene-disease relationship is limited; therefore, the clinical significance of this alteration is unclear.

Clinical Genomics Laboratory, Stanford Medicine
Classification: Uncertain significance. Last evaluated: 2022-12-27. Review status: criteria provided, single submitter. Criteria: ACMG Guidelines, 2015. Collection method: clinical testing. Allele origin: germline. Observed: 1 variant allele, 1 heterozygote.
Comment: The p.Val948Met variant in the SCN10A gene has been previously reported in 3 individuals with Brugada syndrome (Di Resta et al., 2015). This variant was absent from large population databases, including the Genome Aggregation Database. Computational tools predict that this variant is neither deleterious nor benign; however, the accuracy of in silico algorithms is limited. These data were assessed using the ACMG/AMP variant interpretation guidelines. In summary, the significance of the p.Val948Met variant is uncertain. Additional information is needed to resolve the significance of this variant. [ACMG evidence codes used: PS4_Supporting; PM2]

Labcorp Genetics (formerly Invitae), Labcorp
Classification: Uncertain significance for Brugada syndrome. Last evaluated: 2022-08-23. Review status: criteria provided, single submitter. Criteria: Invitae Variant Classification Sherloc (09022015). Collection method: clinical testing. Allele origin: germline.
Comment: This sequence change replaces valine, which is neutral and non-polar, with methionine, which is neutral and non-polar, at codon 948 of the SCN10A protein (p.Val948Met). This variant is not present in population databases (gnomAD no frequency). This variant has not been reported in the literature in individuals affected with SCN10A-related conditions. ClinVar contains an entry for this variant (Variation ID: 532079). Advanced modeling of protein sequence and biophysical properties (such as structural, functional, and spatial information, amino acid conservation, physicochemical variation, residue mobility, and thermodynamic stability) performed at Invitae indicates that this missense variant is not expected to disrupt SCN10A protein function. In summary, the available evidence is currently insufficient to determine the role of this variant in disease. Therefore, it has been classified as a Variant of Uncertain Significance.

Literature cited by the submitters: PubMed 26220970 (cited by Clinical Genomics Laboratory, Stanford Medicine).

NM_006514.4(SCN10A):c.2842G>A (p.Val948Met)

Genes: SCN10A (sodium voltage-gated channel alpha subunit 10; minus strand), LOC110121288 (VISTA enhancer hs2268; plus strand). Cytogenetic location: 3p22.2.
Variant type: single nucleotide variant.
Coding change: c.2842G>A on transcript NM_006514.4 (MANE Select); coding-DNA position 2842, G replaced by A.
Protein change: p.Val948Met; replaces valine 948 with methionine.
Molecular consequence: missense variant.
Genome position (GRCh38, 1-based): chr3:38,726,851, C>T on the plus strand (G>A on the coding strand, the complement: SCN10A is on the minus strand). VCF-style: chr3-38726851-C-T. GRCh37 (hg19) VCF-style: chr3-38768342-C-T.
Other names: c.2842G>A, p.Val948Met (NM_001293306.2); c.2548G>A, p.Val850Met (NM_001293307.2); short protein forms V948M, V850M.
Identifiers: ClinVar variation 532079 (VCV000532079.8), dbSNP rs145694222, ClinGen allele CA352158186.